The following is an entry in ClinVar:

ClinVar aggregate classification (germline): Uncertain significance (1 of 4 stars; one submission).

Conditions:
Retinoblastoma (RB1). Also called: RETINOBLASTOMA, SOMATIC. Identifiers: Orphanet 790, MedGen C0035335, MeSH D012175, MONDO:0008380, OMIM 180200, HP:0009919. Disease mechanism: loss of function. Inheritance: Both sporadic and heritable forms are tested..

gnomAD v4.1: 1 of 1,498,796 alleles (0.000067%); highest among the groups gnomAD compares: Non-Finnish European, 0.000088%; no homozygotes.

Submission:

Labcorp Genetics (formerly Invitae), Labcorp
Classification: Uncertain significance for Retinoblastoma. Last evaluated: 2024-02-01. Review status: criteria provided, single submitter. Criteria: Invitae Variant Classification Sherloc (09022015). Collection method: clinical testing. Allele origin: germline.
Comment: This sequence change replaces proline, which is neutral and non-polar, with leucine, which is neutral and non-polar, at codon 27 of the RB1 protein (p.Pro27Leu). This variant is not present in population databases (gnomAD no frequency). This variant has not been reported in the literature in individuals affected with RB1-related conditions. Advanced modeling of protein sequence and biophysical properties (such as structural, functional, and spatial information, amino acid conservation, physicochemical variation, residue mobility, and thermodynamic stability) has been performed at Invitae for this missense variant, however the output from this modeling did not meet the statistical confidence thresholds required to predict the impact of this variant on RB1 protein function. In summary, the available evidence is currently insufficient to determine the role of this variant in disease. Therefore, it has been classified as a Variant of Uncertain Significance.

NM_000321.3(RB1):c.80C>T (p.Pro27Leu)

Gene: RB1 (RB transcriptional corepressor 1; plus strand). Cytogenetic location: 13q14.2.
Variant type: single nucleotide variant.
Coding change: c.80C>T on transcript NM_000321.3 (MANE Select); coding-DNA position 80, C replaced by T.
Protein change: p.Pro27Leu; replaces proline 27 with leucine.
Molecular consequence: missense variant.
Genome position (GRCh38, 1-based): chr13:48,303,992, C>T. VCF-style: chr13-48303992-C-T. GRCh37 (hg19) VCF-style: chr13-48878128-C-T.
Other names: c.80C>T, p.Pro27Leu (NM_001407165.1, NM_001407166.1, NM_001407167.1); short protein forms P27L.
Identifiers: ClinVar variation 2867414 (VCV002867414.3), dbSNP rs925399787, ClinGen allele CA388250284.